The following is an entry in ClinVar:

ClinVar aggregate classification (germline): Uncertain significance (1 of 4 stars; one submission).

gnomAD v4.1: 4 of 1,613,992 alleles (0.00025%); highest among the groups gnomAD compares: Admixed American, 0.0017%; no homozygotes.

Submission:

Labcorp Genetics (formerly Invitae), Labcorp
Classification: Uncertain significance. Last evaluated: 2025-10-24. Review status: criteria provided, single submitter. Criteria: Invitae Variant Classification Sherloc (09022015). Collection method: clinical testing. Allele origin: germline.
Comment: This sequence change replaces asparagine, which is neutral and polar, with serine, which is neutral and polar, at codon 224 of the ATP6V1A protein (p.Asn224Ser). This variant is not present in population databases (gnomAD no frequency). This variant has not been reported in the literature in individuals affected with ATP6V1A-related conditions. Invitae Evidence Modeling of protein sequence and biophysical properties (such as structural, functional, and spatial information, amino acid conservation, physicochemical variation, residue mobility, and thermodynamic stability) indicates that this missense variant is not expected to disrupt ATP6V1A protein function with a negative predictive value of 80%. In summary, the available evidence is currently insufficient to determine the role of this variant in disease. Therefore, it has been classified as a Variant of Uncertain Significance.

NM_001690.4(ATP6V1A):c.671A>G (p.Asn224Ser)

Gene: ATP6V1A (ATPase H+ transporting V1 subunit A; plus strand). Cytogenetic location: 3q13.31.
Variant type: single nucleotide variant.
Coding change: c.671A>G on transcript NM_001690.4 (MANE Select); coding-DNA position 671, A replaced by G.
Protein change: p.Asn224Ser; replaces asparagine 224 with serine.
Molecular consequence: missense variant.
Genome position (GRCh38, 1-based): chr3:113,786,338, A>G. VCF-style: chr3-113786338-A-G. GRCh37 (hg19) VCF-style: chr3-113505185-A-G.
Other names: short protein forms N224S.
Identifiers: ClinVar variation 4708803 (VCV004708803.1).